The following is an entry in ClinVar:

ClinVar aggregate classification (germline): Uncertain significance (1 of 4 stars; one submission).

Conditions:
Aicardi-Goutieres syndrome 5. Identifiers: Orphanet 51, MedGen C2749659, MONDO:0013059, OMIM 612952.

Allele frequency attached by ClinVar (database versions not stated): gnomAD exomes below 0.00001; ExAC 0.00001.

Submission:

Labcorp Genetics (formerly Invitae), Labcorp
Classification: Uncertain significance for Aicardi-Goutieres syndrome 5. Last evaluated: 2022-08-27. Review status: criteria provided, single submitter. Criteria: Invitae Variant Classification Sherloc (09022015). Collection method: clinical testing. Allele origin: germline.
Comment: This sequence change replaces glutamine, which is neutral and polar, with arginine, which is basic and polar, at codon 200 of the SAMHD1 protein (p.Gln200Arg). This variant is present in population databases (rs758250759, gnomAD 0.006%). This variant has not been reported in the literature in individuals affected with SAMHD1-related conditions. Algorithms developed to predict the effect of missense changes on protein structure and function are either unavailable or do not agree on the potential impact of this missense change (SIFT: "Deleterious"; PolyPhen-2: "Benign"; Align-GVGD: "Class C0"). In summary, the available evidence is currently insufficient to determine the role of this variant in disease. Therefore, it has been classified as a Variant of Uncertain Significance.

NM_015474.4(SAMHD1):c.599A>G (p.Gln200Arg)

Gene: SAMHD1 (SAM and HD domain containing deoxynucleoside triphosphate triphosphohydrolase 1; minus strand). Cytogenetic location: 20q11.23.
Variant type: single nucleotide variant.
Coding change: c.599A>G on transcript NM_015474.4 (MANE Select); coding-DNA position 599, A replaced by G.
Protein change: p.Gln200Arg; replaces glutamine 200 with arginine.
Molecular consequence: missense variant.
Genome position (GRCh38, 1-based): chr20:36,930,786, T>C on the plus strand (A>G on the coding strand, the complement: SAMHD1 is on the minus strand). VCF-style: chr20-36930786-T-C. GRCh37 (hg19) VCF-style: chr20-35559189-T-C.
Other names: c.599A>G, p.Gln200Arg (NM_001363729.2, NM_001363733.2); short protein forms Q200R.
Identifiers: ClinVar variation 1965866 (VCV001965866.2), dbSNP rs758250759, ClinGen allele CA9844702.